The following is an entry in ClinVar:

NM_015175.3(NBEAL2):c.2062C>T (p.Arg688Cys)

Gene: NBEAL2 (neurobeachin like 2; plus strand). Cytogenetic location: 3p21.31.
Variant type: single nucleotide variant.
Coding change: c.2062C>T on transcript NM_015175.3 (MANE Select); coding-DNA position 2062, C replaced by T.
Protein change: p.Arg688Cys; replaces arginine 688 with cysteine.
Molecular consequence: missense variant.
Genome position (GRCh38, 1-based): chr3:46,995,962, C>T. VCF-style: chr3-46995962-C-T. GRCh37 (hg19) VCF-style: chr3-47037452-C-T.
Other names: c.1960C>T, p.Arg654Cys (NM_001365116.2); short protein forms R654C, R688C.
Identifiers: ClinVar variation 903328 (VCV000903328.6), dbSNP rs201210287, ClinGen allele CA2360534.

ClinVar aggregate classification (germline): Uncertain significance. Review status: criteria provided, multiple submitters, no conflicts (2 of 4 stars). 3 submissions from 3 submitters: Uncertain significance (3). Last evaluated 2025-06-10.

Conditions:
Gray platelet syndrome (GPS). Also called: BLEEDING DISORDER, PLATELET-TYPE, 4. Identifiers: Orphanet 721, MedGen C0272302, MONDO:0007686, OMIM 139090.

Allele frequency attached by ClinVar (database versions not stated): gnomAD exomes 0.00007 and 0.00012; gnomAD 0.00009 and 0.00011; TOPMed 0.00010; ExAC 0.00015; ESP Exome Variant Server 0.00040.

Submissions (3):

GeneDx
Classification: Uncertain significance. Last evaluated: 2025-06-10. Review status: criteria provided, single submitter. Criteria: GeneDx Variant Classification Process June 2021. Collection method: clinical testing. Allele origin: germline. Affected: yes.
Comment: In silico analysis supports that this missense variant has a deleterious effect on protein structure/function; Has not been previously published as pathogenic or benign to our knowledge

Blueprint Genetics
Classification: Uncertain significance. Last evaluated: 2024-09-16. Review status: criteria provided, single submitter. Criteria: ACMG Guidelines, 2015. Collection method: clinical testing. Allele origin: germline.

Illumina Laboratory Services, Illumina
Classification: Uncertain significance for Gray platelet syndrome. Last evaluated: 2018-01-12. Review status: criteria provided, single submitter. Criteria: ICSL Variant Classification Criteria 13 December 2019. Collection method: clinical testing. Allele origin: germline.